The following is an entry in ClinVar:

NM_031892.3(SH3KBP1):c.1745G>C (p.Gly582Ala)

Gene: SH3KBP1 (SH3 domain containing kinase binding protein 1; minus strand). Cytogenetic location: Xp22.12.
Variant type: single nucleotide variant.
Coding change: c.1745G>C on transcript NM_031892.3 (MANE Select); coding-DNA position 1745, G replaced by C.
Protein change: p.Gly582Ala; replaces glycine 582 with alanine.
Molecular consequence: missense variant.
Genome position (GRCh38, 1-based): chrX:19,542,072, C>G on the plus strand (G>C on the coding strand, the complement: SH3KBP1 is on the minus strand). VCF-style: chrX-19542072-C-G. GRCh37 (hg19) VCF-style: chrX-19560190-C-G.
Other names: c.1634G>C, p.Gly545Ala (NM_001024666.3); c.1031G>C, p.Gly344Ala (NM_001184960.2); c.1616G>C, p.Gly539Ala (NM_001353890.2); c.1820G>C, p.Gly607Ala (NM_001353891.2); c.1691G>C, p.Gly564Ala (NM_001353892.2); c.1643G>C, p.Gly548Ala (NM_001353893.2); c.1514G>C, p.Gly505Ala (NM_001353894.2); c.1571G>C, p.Gly524Ala (NM_001353895.2); and 4 more; short protein forms G301A, G505A, G524A, G548A, G582A, G607A, G539A, G564A.
Identifiers: ClinVar variation 2176958 (VCV002176958.4), dbSNP rs755280140, ClinGen allele CA10364454.

ClinVar aggregate classification (germline): Uncertain significance (1 of 4 stars; one submission).

Allele frequency attached by ClinVar (database versions not stated): gnomAD 0.00001; ExAC 0.00002; gnomAD exomes 0.00002.
gnomAD v4.1: 18 of 1,210,132 alleles (0.0015%); highest among the groups gnomAD compares: South Asian, 0.0088%; no homozygotes.

Submission:

Labcorp Genetics (formerly Invitae), Labcorp
Classification: Uncertain significance. Last evaluated: 2024-11-18. Review status: criteria provided, single submitter. Criteria: Invitae Variant Classification Sherloc (09022015). Collection method: clinical testing. Allele origin: germline.
Comment: This sequence change replaces glycine, which is neutral and non-polar, with alanine, which is neutral and non-polar, at codon 582 of the SH3KBP1 protein (p.Gly582Ala). This variant is present in population databases (rs755280140, gnomAD 0.02%). This variant has not been reported in the literature in individuals affected with SH3KBP1-related conditions. ClinVar contains an entry for this variant (Variation ID: 2176958). An algorithm developed to predict the effect of missense changes on protein structure and function (PolyPhen-2) suggests that this variant is likely to be disruptive. In summary, the available evidence is currently insufficient to determine the role of this variant in disease. Therefore, it has been classified as a Variant of Uncertain Significance.